The following is an entry in ClinVar:

ClinVar aggregate classification (germline): Uncertain significance (1 of 4 stars; one submission).

Conditions:
Neurodevelopmental disorder with speech impairment and with or without seizures. Also called: Neurodevelopmental disorder with variable intellectual disability and speech impairment, with or without seizures. Identifiers: MedGen C5774252, MONDO:0859313, OMIM 620114.

gnomAD v4.1: 6 of 1,613,812 alleles (0.00037%); highest among the groups gnomAD compares: African/African-American, 0.0013%; no homozygotes.

Submission:

Dasa
Classification: Uncertain significance for neurodevelopmental disorder with speech impairment and with or without seizures. Last evaluated: 2025-06-28. Review status: criteria provided, single submitter. Criteria: DASA Assertion Criteria. Collection method: clinical testing. Allele origin: germline.
Comment: NM_021096.4(CACNA1I):c.4021C>T (p.Arg1341Cys) is a missense variant that results in the substitution of arginine with cysteine. This variant is rare in population databases. Computational prediction algorithms are consistent with a deleterious effect. The currently available literature and clinical evidence are not sufficient to establish a definitive association between this variant and the reported condition. Therefore, this variant is classified as a variant of uncertain significance.

NM_021096.4(CACNA1I):c.4021C>T (p.Arg1341Cys)

Gene: CACNA1I (calcium voltage-gated channel subunit alpha1 I; plus strand). Cytogenetic location: 22q13.1.
Variant type: single nucleotide variant.
Coding change: c.4021C>T on transcript NM_021096.4 (MANE Select); coding-DNA position 4021, C replaced by T.
Protein change: p.Arg1341Cys; replaces arginine 1341 with cysteine.
Molecular consequence: missense variant.
Genome position (GRCh38, 1-based): chr22:39,665,923, C>T. VCF-style: chr22-39665923-C-T. GRCh37 (hg19) VCF-style: chr22-40061928-C-T.
Other names: c.3916C>T, p.Arg1306Cys (NM_001003406.2); short protein forms R1306C, R1341C.
Identifiers: ClinVar variation 4883777 (VCV004883777.2).